The following is an entry in ClinVar:

ClinVar aggregate classification (germline): Benign. Review status: criteria provided, multiple submitters, no conflicts (2 of 4 stars). 2 submissions from 2 submitters: Benign (2). Last evaluated 2018-06-19.

Allele frequency attached by ClinVar (database versions not stated): gnomAD 0.69079 and 0.69339; TOPMed 0.70500; 1000 Genomes Project 0.72903; 1000 Genomes Project 30x 0.73423.
gnomAD v4.1: 619,644 of 985,524 alleles (63%); highest among the groups gnomAD compares: African/African-American, 91%; 199,013 homozygotes.

Submissions (2):

GeneDx
Classification: Benign. Last evaluated: 2018-06-19. Review status: criteria provided, single submitter. Criteria: GeneDx Variant Classification (06012015). Collection method: clinical testing. Allele origin: germline. Affected: yes.
Comment: This variant is considered likely benign or benign based on one or more of the following criteria: it is a conservative change, it occurs at a poorly conserved position in the protein, it is predicted to be benign by multiple in silico algorithms, and/or has population frequency not consistent with disease.

Breakthrough Genomics
Classification: Benign. Review status: criteria provided, single submitter. Criteria: ACMG Guidelines, 2015. Collection method: not provided. Allele origin: germline. Inheritance: Autosomal dominant inheritance. Affected: yes.

NM_006514.4(SCN10A):c.3352+139C>A

Genes: SCN10A (sodium voltage-gated channel alpha subunit 10; minus strand), LOC110121288 (VISTA enhancer hs2268; plus strand). Cytogenetic location: 3p22.2.
Variant type: single nucleotide variant.
Coding change: c.3352+139C>A on transcript NM_006514.4 (MANE Select); 139 bases into the intron after coding-DNA position 3352, C replaced by A.
Molecular consequence: intron variant.
Genome position (GRCh38, 1-based): chr3:38,723,291, G>T on the plus strand (C>A on the coding strand, the complement: SCN10A is on the minus strand). VCF-style: chr3-38723291-G-T. GRCh37 (hg19) VCF-style: chr3-38764782-G-T.
Other names: c.3058+139C>A (NM_001293307.2); c.3349+139C>A (NM_001293306.2).
Identifiers: ClinVar variation 669291 (VCV000669291.2), dbSNP rs4076737, ClinGen allele CA11403337.